The following is an entry in ClinVar:

NM_001035.3(RYR2):c.4275+35C>T

Gene: RYR2 (ryanodine receptor 2; plus strand). Cytogenetic location: 1q43.
Variant type: single nucleotide variant.
Coding change: c.4275+35C>T on transcript NM_001035.3 (MANE Select); 35 bases into the intron after coding-DNA position 4275, C replaced by T.
Molecular consequence: intron variant.
Genome position (GRCh38, 1-based): chr1:237,591,888, C>T. VCF-style: chr1-237591888-C-T. GRCh37 (hg19) VCF-style: chr1-237755188-C-T.
Other names: c.4275+35C>T (LRG_402t1).
Identifiers: ClinVar variation 257211 (VCV000257211.4), dbSNP rs2618713, ClinGen allele CA086579.

ClinVar aggregate classification (germline): Benign. Review status: criteria provided, multiple submitters, no conflicts (2 of 4 stars). 4 submissions from 4 submitters: Benign (4). Last evaluated 2026-09-21.

Allele frequency attached by ClinVar (database versions not stated): 1000 Genomes Project 0.33586; ESP Exome Variant Server 0.38915; gnomAD 0.39428 and 0.39456; ExAC 0.45979; gnomAD exomes 0.47140 and 0.45428; TOPMed 0.39148; 1000 Genomes Project 30x 0.33339.
gnomAD v4.1: 683,594 of 1,478,018 alleles (46%); highest among the groups gnomAD compares: Admixed American, 57%; 163,182 homozygotes.

Submissions (4):

Molecular Diagnostic Laboratory for Inherited Cardiovascular Disease, Montreal Heart Institute
Classification: Benign. Last evaluated: 2026-09-21. Review status: criteria provided, single submitter. Criteria: ACMG Guidelines, 2015. Collection method: clinical testing. Allele origin: germline. Affected: no.

GeneDx
Classification: Benign. Last evaluated: 2018-06-15. Review status: criteria provided, single submitter. Criteria: GeneDx Variant Classification (06012015). Collection method: clinical testing. Allele origin: germline. Affected: yes.
Comment: This variant is considered likely benign or benign based on one or more of the following criteria: it is a conservative change, it occurs at a poorly conserved position in the protein, it is predicted to be benign by multiple in silico algorithms, and/or has population frequency not consistent with disease.

Breakthrough Genomics
Classification: Benign. Review status: criteria provided, single submitter. Criteria: ACMG Guidelines, 2015. Collection method: not provided. Allele origin: germline. Inheritance: Autosomal dominant inheritance. Affected: yes.

PreventionGenetics, part of Exact Sciences
Classification: Benign. Review status: criteria provided, single submitter. Criteria: ACMG Guidelines, 2015. Collection method: clinical testing. Allele origin: germline.